The following is an entry in ClinVar:

NM_052947.4(ALPK2):c.5666G>T (p.Gly1889Val)

Gene: ALPK2 (alpha kinase 2; minus strand). Cytogenetic location: 18q21.31.
Variant type: single nucleotide variant.
Coding change: c.5666G>T on transcript NM_052947.4 (MANE Select); coding-DNA position 5666, G replaced by T.
Protein change: p.Gly1889Val; replaces glycine 1889 with valine.
Molecular consequence: missense variant.
Genome position (GRCh38, 1-based): chr18:58,517,182, C>A on the plus strand (G>T on the coding strand, the complement: ALPK2 is on the minus strand). VCF-style: chr18-58517182-C-A. GRCh37 (hg19) VCF-style: chr18-56184414-C-A.
Other names: short protein forms G1889V.
Identifiers: ClinVar variation 3532065 (VCV003532065.1).

ClinVar aggregate classification (germline): Uncertain significance (1 of 4 stars; one submission).

Submission:

Ambry Genetics
Classification: Uncertain significance. Last evaluated: 2024-11-14. Review status: criteria provided, single submitter. Criteria: Ambry Variant Classification Scheme 2023. Collection method: clinical testing. Allele origin: germline.
Comment: The p.G1889V variant (also known as c.5666G>T) is located in coding exon 8 of the ALPK2 gene. The glycine at codon 1889 is replaced by valine, an amino acid with dissimilar properties. This change occurs in the first base pair of coding exon 8. This amino acid position is conserved. In addition, this alteration is predicted to be tolerated by in silico analysis. Based on the available evidence, the clinical significance of this variant remains unclear.